The following is an entry in ClinVar:

NM_000836.4(GRIN2D):c.3231_3239del (p.1076AGG[1])

Gene: GRIN2D (glutamate ionotropic receptor NMDA type subunit 2D; plus strand). Cytogenetic location: 19q13.33.
Variant type: Deletion.
Coding change: c.3231_3239del on transcript NM_000836.4 (MANE Select); coding-DNA positions 3231 to 3239, 9 bases deleted (CGGCGCGGG; older notation c.3231_3239delCGGCGCGGG).
Protein change: p.1076AGG[1].
Molecular consequence: inframe deletion.
Genome position (GRCh38, 1-based): chr19:48,443,157-48,443,165, CGGCGCGGG deleted; deleting any 9 consecutive bases within chr19:48,443,149-48,443,165 gives the same sequence; the c. name uses the placement nearest the transcript's 3' end. VCF-style (leftmost placement, unchanged base first): chr19-48443148-AGGCGCGGGC-A. GRCh37 (hg19) VCF-style: chr19-48946405-AGGCGCGGGC-A.
Identifiers: ClinVar variation 1403725 (VCV001403725.7), dbSNP rs991892862, ClinGen allele CA309299077.
Genomic context (GRCh38, chr19:48,443,148, plus strand): 5'-CCCGCCGGCGCCCGCGCGGTGGCCGCGCTCGGACCCCGAGAGCCAACCCCTGCTGGGGCC[AGGCGCGGGC>A]GGCGCGGGGGGCACGGGGGGCGCAGGCGGAGGAGCCCCGGCCGCTCCGCCCCCGTGCCGC-3'

ClinVar aggregate classification (germline): Uncertain significance (1 of 4 stars; one submission).

Submission:

Labcorp Genetics (formerly Invitae), Labcorp
Classification: Uncertain significance. Last evaluated: 2025-10-10. Review status: criteria provided, single submitter. Criteria: Invitae Variant Classification Sherloc (09022015). Collection method: clinical testing. Allele origin: germline.
Comment: This variant, c.3231_3239del, results in the deletion of 3 amino acid(s) of the GRIN2D protein (p.Ala1079_Gly1081del), but otherwise preserves the integrity of the reading frame. This variant is present in population databases (no rsID available, gnomAD 0.3%). This variant has not been reported in the literature in individuals affected with GRIN2D-related conditions. ClinVar contains an entry for this variant (Variation ID: 1403725). Experimental studies and prediction algorithms are not available or were not evaluated, and the functional significance of this variant is currently unknown. In summary, the available evidence is currently insufficient to determine the role of this variant in disease. Therefore, it has been classified as a Variant of Uncertain Significance.